The following is an entry in ClinVar:

ClinVar aggregate classification (germline): Uncertain significance (1 of 4 stars; one submission).

Conditions:
Spermatogenic failure 18. Identifiers: MedGen C4539783, MONDO:0054615, OMIM 617576.
Ciliary dyskinesia, primary, 37 (CILD37). Also called: CILIARY DYSKINESIA, PRIMARY, 37, WITH OR WITHOUT SITUS INVERSUS. Identifiers: MedGen C4539798, MONDO:0033204, OMIM 617577.

Submission:

Labcorp Genetics (formerly Invitae), Labcorp
Classification: Uncertain significance for Ciliary dyskinesia, primary, 37; Spermatogenic failure 18. Last evaluated: 2021-08-28. Review status: criteria provided, single submitter. Criteria: Invitae Variant Classification Sherloc (09022015). Collection method: clinical testing. Allele origin: germline.
Comment: This sequence change replaces serine with phenylalanine at codon 2093 of the DNAH1 protein (p.Ser2093Phe). The serine residue is weakly conserved and there is a large physicochemical difference between serine and phenylalanine. This variant is not present in population databases (ExAC no frequency). This variant has not been reported in the literature in individuals affected with DNAH1-related conditions. Algorithms developed to predict the effect of missense changes on protein structure and function (SIFT, PolyPhen-2, Align-GVGD) all suggest that this variant is likely to be tolerated. In summary, the available evidence is currently insufficient to determine the role of this variant in disease. Therefore, it has been classified as a Variant of Uncertain Significance.

NM_015512.5(DNAH1):c.6278C>T (p.Ser2093Phe)

Gene: DNAH1 (dynein axonemal heavy chain 1; plus strand). Cytogenetic location: 3p21.1.
Variant type: single nucleotide variant.
Coding change: c.6278C>T on transcript NM_015512.5 (MANE Select); coding-DNA position 6278, C replaced by T.
Protein change: p.Ser2093Phe; replaces serine 2093 with phenylalanine.
Molecular consequence: missense variant.
Genome position (GRCh38, 1-based): chr3:52,370,496, C>T. VCF-style: chr3-52370496-C-T. GRCh37 (hg19) VCF-style: chr3-52404512-C-T.
Other names: short protein forms S2093F.
Identifiers: ClinVar variation 1471647 (VCV001471647.6), dbSNP rs2153224713, ClinGen allele CA353158755.